The following is an entry in ClinVar:

ClinVar aggregate classification (germline): Uncertain significance. Review status: criteria provided, multiple submitters, no conflicts (2 of 4 stars). 2 submissions from 2 submitters: Uncertain significance (2). Last evaluated 2024-01-30.

Conditions:
Osteogenesis imperfecta type I (OI1). Also called: Classic Non-deforming Osteogenesis Imperfecta with Blue Sclerae; OI, TYPE I; OSTEOGENESIS IMPERFECTA TARDA; OSTEOGENESIS IMPERFECTA WITH BLUE SCLERAE; Osteogenesis imperfecta type 1; Lobstein's Disease. Identifiers: Orphanet 216796, Orphanet 666, MedGen C0023931, MONDO:0008146, OMIM 166200. Disease mechanism: loss of function.
Osteogenesis imperfecta with normal sclerae, dominant form (OI4). Also called: Common Variable Osteogenesis Imperfecta with Normal Sclerae; OSTEOGENESIS IMPERFECTA WITH NORMAL SCLERAE; Osteogenesis Imperfecta Type IV; OSTEOGENESIS IMPERFECTA, TYPE IV, WITH DENTINOGENESIS IMPERFECTA; Osteogenesis imperfecta type 4. Identifiers: Orphanet 216820, Orphanet 666, MedGen C0268363, MONDO:0008148, OMIM 166220.
Osteoporosis. Identifiers: MedGen C0029456, MONDO:0005298, OMIM 166710, HP:0000939.
Infantile cortical hyperostosis. Also called: Caffey Disease; P1PK BLOOD GROUP SYSTEM, P(2) PHENOTYPE; Hyperostosis, Cortical, Congenital. Identifiers: Orphanet 1310, MedGen C0020497, MONDO:0007244, OMIM 114000.
Osteogenesis imperfecta, perinatal lethal (OI2). Also called: OI, TYPE II; OSTEOGENESIS IMPERFECTA CONGENITA; Osteogenesis imperfecta type 2; OSTEOGENESIS IMPERFECTA, TYPE II; Osteogenesis imperfecta, dominant perinatal lethal; VROLIK TYPE OF OSTEOGENESIS IMPERFECTA. Identifiers: Orphanet 216804, MedGen C0268358, MONDO:0008147, OMIM 166210.
Osteogenesis imperfecta type III (OI3). Also called: Progressively Deforming Osteogenesis Imperfecta; Osteogenesis imperfecta type 3; OI type 3; Osteogenesis imperfecta, progressively deforming with normal sclerae; OI type III. Identifiers: Orphanet 216812, Orphanet 666, MedGen C0268362, MONDO:0009804, OMIM 259420.
Ehlers-Danlos syndrome, arthrochalasia type. Also called: Ehlers-Danlos syndrome, arthrochalasia type, 1; ARTHROCHALASIS MULTIPLEX CONGENITA; EDS VII, MUTANT PROCOLLAGEN TYPE; EDS VIIA; Ehlers-Danlos syndrome, arthrochalasis type. Identifiers: Orphanet 1899, Orphanet 99875, Orphanet 99876, MedGen C4551623, MONDO:0007525, OMIM 130060.
Combined osteogenesis imperfecta and Ehlers-Danlos syndrome 1. Also called: OIEDS SYNDROME 1. Identifiers: MedGen C5436842, MONDO:0030854, OMIM 619115.

Allele frequency attached by ClinVar (database versions not stated): gnomAD exomes below 0.00001.
gnomAD v4.1: 3 of 1,612,500 alleles (0.00019%); highest among the groups gnomAD compares: African/African-American, 0.0013%; no homozygotes.

Submissions (2):

Fulgent Genetics
Classification: Uncertain significance for Infantile cortical hyperostosis; Ehlers-Danlos syndrome, arthrochalasia type; Osteogenesis imperfecta type I; Osteogenesis imperfecta, perinatal lethal; Osteogenesis imperfecta with normal sclerae, dominant form; Osteoporosis; Osteogenesis imperfecta type III; Combined osteogenesis imperfecta and Ehlers-Danlos syndrome 1. Last evaluated: 2024-01-30. Review status: criteria provided, single submitter. Criteria: ACMG Guidelines, 2015. Collection method: clinical testing. Allele origin: germline.

Labcorp Genetics (formerly Invitae), Labcorp
Classification: Uncertain significance for Osteogenesis imperfecta type I. Last evaluated: 2022-10-17. Review status: criteria provided, single submitter. Criteria: Invitae Variant Classification Sherloc (09022015). Collection method: clinical testing. Allele origin: germline.
Comment: Advanced modeling of protein sequence and biophysical properties (such as structural, functional, and spatial information, amino acid conservation, physicochemical variation, residue mobility, and thermodynamic stability) performed at Invitae indicates that this missense variant is expected to disrupt COL1A1 protein function. ClinVar contains an entry for this variant (Variation ID: 1415517). This variant has not been reported in the literature in individuals affected with COL1A1-related conditions. This variant is not present in population databases (gnomAD no frequency). This sequence change replaces arginine, which is basic and polar, with cysteine, which is neutral and slightly polar, at codon 1111 of the COL1A1 protein (p.Arg1111Cys). In summary, the available evidence is currently insufficient to determine the role of this variant in disease. Therefore, it has been classified as a Variant of Uncertain Significance.

NM_000088.4(COL1A1):c.3331C>T (p.Arg1111Cys)

Gene: COL1A1 (collagen type I alpha 1 chain; minus strand). Cytogenetic location: 17q21.33.
Variant type: single nucleotide variant.
Coding change: c.3331C>T on transcript NM_000088.4 (MANE Select); coding-DNA position 3331, C replaced by T.
Protein change: p.Arg1111Cys; replaces arginine 1111 with cysteine.
Molecular consequence: missense variant.
Genome position (GRCh38, 1-based): chr17:50,187,914, G>A on the plus strand (C>T on the coding strand, the complement: COL1A1 is on the minus strand). VCF-style: chr17-50187914-G-A. GRCh37 (hg19) VCF-style: chr17-48265275-G-A.
Other names: short protein forms R1111C.
Identifiers: ClinVar variation 1415517 (VCV001415517.10), dbSNP rs2144542395, ClinGen allele CA400199651.